The following is an entry in ClinVar:

ClinVar aggregate classification (germline): Pathogenic (1 of 4 stars; one submission).

Conditions:
Neurofibromatosis, type 1 (NF1). Also called: Peripheral type neurofibromatosis; VON RECKLINGHAUSEN DISEASE; Neurofibromatosis, type I; NEUROFIBROMATOSIS, TYPE I, SOMATIC. Identifiers: Orphanet 636, MedGen C0027831, MONDO:0018975, OMIM 162200. Disease mechanism: loss of function.

Submission:

Labcorp Genetics (formerly Invitae), Labcorp
Classification: Pathogenic for Neurofibromatosis, type 1. Last evaluated: 2019-09-15. Review status: criteria provided, single submitter. Criteria: Invitae Variant Classification Sherloc (09022015). Collection method: clinical testing. Allele origin: germline.
Comment: For these reasons, this variant has been classified as Pathogenic. Donor and acceptor splice site variants typically lead to a loss of protein function (PMID: 16199547), and loss-of-function variants in NF1 are known to be pathogenic (PMID: 10712197, 23913538). Algorithms developed to predict the effect of sequence changes on RNA splicing suggest that this variant may disrupt the consensus splice site, but this prediction has not been confirmed by published transcriptional studies. Disruption of this splice site has been observed in individuals affected with neurofibromatosis type 1 (PMID: 28961165, 26969325, 16835897). This variant is not present in population databases (ExAC no frequency). This sequence change affects an acceptor splice site in intron 41 of the NF1 gene. It is expected to disrupt RNA splicing and likely results in an absent or disrupted protein product.

Literature cited by the submitters: PubMed 16199547; PubMed 10712197; PubMed 23913538; PubMed 28961165; PubMed 26969325; PubMed 16835897.

NM_001042492.3(NF1):c.6428-1G>T

Gene: NF1 (neurofibromin 1; plus strand). Cytogenetic location: 17q11.2.
Variant type: single nucleotide variant.
Coding change: c.6428-1G>T on transcript NM_001042492.3 (MANE Select); the canonical splice acceptor site of the intron before coding-DNA position 6428, G replaced by T.
Molecular consequence: splice acceptor variant.
Genome position (GRCh38, 1-based): chr17:31,337,367, G>T. VCF-style: chr17-31337367-G-T. GRCh37 (hg19) VCF-style: chr17-29664385-G-T.
Other names: c.6365-1G>T (NM_000267.4).
Identifiers: ClinVar variation 941637 (VCV000941637.7), dbSNP rs747100254, ClinGen allele CA399012983.